The following is an entry in ClinVar:

ClinVar aggregate classification (germline): Uncertain significance. Review status: criteria provided, multiple submitters, no conflicts (2 of 4 stars). 2 submissions from 2 submitters: Uncertain significance (2). Last evaluated 2025-09-15.

Conditions:
Inborn genetic diseases. Identifiers: MedGen C0950123, MeSH D030342.

gnomAD v4.1: 1 of 1,584,538 alleles (0.000063%); highest among the groups gnomAD compares: Non-Finnish European, 0.000086%; no homozygotes.

Submissions (2):

Ambry Genetics
Classification: Uncertain significance for Inborn genetic diseases. Last evaluated: 2025-09-15. Review status: criteria provided, single submitter. Criteria: Ambry Variant Classification Scheme 2023. Collection method: clinical testing. Allele origin: germline.

Labcorp Genetics (formerly Invitae), Labcorp
Classification: Uncertain significance. Last evaluated: 2023-11-20. Review status: criteria provided, single submitter. Criteria: Invitae Variant Classification Sherloc (09022015). Collection method: clinical testing. Allele origin: germline.
Comment: This sequence change replaces serine, which is neutral and polar, with phenylalanine, which is neutral and non-polar, at codon 1583 of the OTOGL protein (p.Ser1583Phe). This variant is not present in population databases (gnomAD no frequency). This variant has not been reported in the literature in individuals affected with OTOGL-related conditions. ClinVar contains an entry for this variant (Variation ID: 1373726). Algorithms developed to predict the effect of missense changes on protein structure and function output the following: SIFT: "Not Available"; PolyPhen-2: "Benign"; Align-GVGD: "Not Available". The phenylalanine amino acid residue is found in multiple mammalian species, which suggests that this missense change does not adversely affect protein function. In summary, the available evidence is currently insufficient to determine the role of this variant in disease. Therefore, it has been classified as a Variant of Uncertain Significance.

NM_001378609.3(OTOGL):c.4775C>T (p.Ser1592Phe)

Gene: OTOGL (otogelin like; plus strand). Cytogenetic location: 12q21.31.
Variant type: single nucleotide variant.
Coding change: c.4775C>T on transcript NM_001378609.3 (MANE Select); coding-DNA position 4775, C replaced by T.
Protein change: p.Ser1592Phe; replaces serine 1592 with phenylalanine.
Molecular consequence: missense variant.
Genome position (GRCh38, 1-based): chr12:80,336,919, C>T. VCF-style: chr12-80336919-C-T. GRCh37 (hg19) VCF-style: chr12-80730699-C-T.
Other names: c.4640C>T, p.Ser1547Phe (NM_001368062.3); c.4775C>T, p.Ser1592Phe (NM_001378610.3, NM_173591.7); c.4748C>T (NM_173591.3); short protein forms S1592F, S1547F.
Identifiers: ClinVar variation 1373726 (VCV001373726.7), dbSNP rs2137916347, ClinGen allele CA385881288.
Genomic context (GRCh38, chr12:80,336,919, plus strand): 5'-TATCACTACAATTGTGTTTAACTCCGTAAAGTTTTAATTTTTTTCAAATTAAGGCTCCCT[C>T]TGGAAGAATCTCTGGACTTTGTTTTAAGAAGTTAAATGTGACAACACCCATACATAAAAT-3'
Protein context (NP_001365538.2, residues 1582-1602): NGNSLKKLAP[Ser1592Phe]GRISGLCFKK